The following is an entry in ClinVar:

NM_000535.7(PMS2):c.1621= (p.Lys541=)

Gene: PMS2 (PMS1 homolog 2, mismatch repair system component; minus strand). Cytogenetic location: 7p22.1.
Variant type: single nucleotide variant.
Coding change: c.1621= on transcript NM_000535.7 (MANE Select); coding-DNA position 1621, no change from the reference sequence.
Protein change: p.Lys541=; no amino-acid change (lysine 541 retained).
Molecular consequence: no sequence alteration. On other transcripts: non-coding transcript variant (1).
Genome position: GRCh38 VCF-style: chr7-5987144-T-T. GRCh37 (hg19) VCF-style: chr7-6026775-T-T.
Other names: p.E541K:GAA>AAA; c.1216=, p.Lys406= (NM_001322003.2, NM_001322004.2, NM_001322005.2 and 1 more transcripts); c.1465=, p.Lys489= (NM_001322006.2); c.1303=, p.Lys435= (NM_001322007.2, NM_001322008.2); c.1060=, p.Lys354= (NM_001322010.2); c.688=, p.Lys230= (NM_001322011.2, NM_001322012.2); c.1048=, p.Lys350= (NM_001322013.2); c.1621=, p.Lys541= (NM_001322014.2); and 1 more.
Identifiers: ClinVar variation 36686 (VCV000036686.30), dbSNP rs2228006.

ClinVar aggregate classification (germline): Benign. Review status: reviewed by expert panel (3 of 4 stars). 7 submissions from 7 submitters: Benign (1). 6 of the submissions do not count toward it. Last evaluated 2013-09-05.

Conditions:
Hereditary nonpolyposis colorectal neoplasms. Identifiers: MedGen C0009405, MeSH D003123.
Lynch syndrome. Identifiers: Orphanet 144, MedGen C4552100, MONDO:0005835. Disease mechanism: loss of function.

Allele frequency attached by ClinVar (database versions not stated): gnomAD exomes 0.15186 and 0.15922; 1000 Genomes Project 0.11681; 1000 Genomes Project 30x 0.12024; ESP Exome Variant Server 0.12962; gnomAD 0.13501 and 0.13518; TOPMed 0.14114; ExAC 0.14861.

Submissions (7):

International Society for Gastrointestinal Hereditary Tumours (InSiGHT)
Classification: Benign for Lynch Syndrome. Last evaluated: 2013-09-05. Review status: reviewed by expert panel. Criteria: Guidelines v1.9. Collection method: research. Allele origin: germline.
Comment: MAF >1%

Classified with v1.9 guidelines
ClinVar note: Converted during submission from no known pathogenicity to Benign.

Labcorp Genetics (formerly Invitae), Labcorp
Classification: Benign for Hereditary nonpolyposis colorectal neoplasms. Last evaluated: 2026-02-04. Review status: criteria provided, single submitter. Criteria: Invitae Variant Classification Sherloc (09022015). Collection method: clinical testing. Allele origin: germline. Not counted in ClinVar's aggregate classification.

ARUP Laboratories, Molecular Genetics and Genomics, ARUP Laboratories
Classification: Benign. Last evaluated: 2025-07-30. Review status: criteria provided, single submitter. Criteria: ARUP Molecular Germline Variant Investigation Process 2024. Collection method: clinical testing. Allele origin: germline. Not counted in ClinVar's aggregate classification.

Department of Pathology and Laboratory Medicine, Sinai Health System
Classification: Benign. Last evaluated: 2015-01-28. Review status: criteria provided, single submitter. Criteria: ACMG Guidelines, 2015. Collection method: clinical testing. Allele origin: germline. Affected: yes. Study: The Canadian Open Genetics Repository (COGR). Not counted in ClinVar's aggregate classification.

GeneDx
Classification: Benign. Last evaluated: 2013-09-10. Review status: criteria provided, single submitter. Criteria: GeneDx Variant Classification (06012015). Collection method: clinical testing. Allele origin: germline. Affected: yes. Not counted in ClinVar's aggregate classification.
Comment: This variant is considered likely benign or benign based on one or more of the following criteria: it is a conservative change, it occurs at a poorly conserved position in the protein, it is predicted to be benign by multiple in silico algorithms, and/or has population frequency not consistent with disease.

Women's Health and Genetics/Laboratory Corporation of America, LabCorp
Classification: Benign for Hereditary non-polyposis colon cancer. Last evaluated: 2011-08-18. Review status: criteria provided, single submitter. Criteria: LabCorp Variant Classification Summary - May 2015. Collection method: clinical testing. Allele origin: not applicable. Inheritance: autosomal unknown. Not counted in ClinVar's aggregate classification.
ClinVar note: Converted during submission from benign to Benign.

Biesecker Lab/Clinical Genomics Section, National Institutes of Health
Classification: Benign. Last evaluated: 2012-07-13. Review status: no assertion criteria provided. Collection method: research. Allele origin: germline. Affected: no. Observed: 562 variant alleles. Study: ClinSeq. Not counted in ClinVar's aggregate classification.
ClinVar note: Converted during submission from no known pathogenicity to Benign.

Literature cited by the submitters: PubMed 14756672 (cited by Department of Pathology and Laboratory Medicine, Sinai Health System and Women's Health and Genetics/Laboratory Corporation of America, LabCorp); PubMed 15256438 (cited by Department of Pathology and Laboratory Medicine, Sinai Health System and Women's Health and Genetics/Laboratory Corporation of America, LabCorp); PubMed 16472587 (cited by Department of Pathology and Laboratory Medicine, Sinai Health System and Women's Health and Genetics/Laboratory Corporation of America, LabCorp); PubMed 16619239 (cited by Department of Pathology and Laboratory Medicine, Sinai Health System and Women's Health and Genetics/Laboratory Corporation of America, LabCorp); PubMed 20186689 (cited by Department of Pathology and Laboratory Medicine, Sinai Health System and Women's Health and Genetics/Laboratory Corporation of America, LabCorp); PubMed 24027009 (cited by Department of Pathology and Laboratory Medicine, Sinai Health System); PubMed 24072394 (cited by Department of Pathology and Laboratory Medicine, Sinai Health System); PubMed 24689082 (cited by Department of Pathology and Laboratory Medicine, Sinai Health System); PubMed 16774946 (cited by Women's Health and Genetics/Laboratory Corporation of America, LabCorp); PubMed 8993976 (cited by Women's Health and Genetics/Laboratory Corporation of America, LabCorp).